The following is an entry in ClinVar:

ClinVar aggregate classification (germline): Uncertain significance (1 of 4 stars; one submission).

Conditions:
Cowden syndrome 6 (CWS6). Identifiers: Orphanet 201, MedGen C3554519, MONDO:0014048, OMIM 615109.

gnomAD v4.1: 1 of 1,614,136 alleles (0.000062%); highest among the groups gnomAD compares: Non-Finnish European, 0.000085%; no homozygotes.

Submission:

Labcorp Genetics (formerly Invitae), Labcorp
Classification: Uncertain significance for Cowden syndrome 6. Last evaluated: 2020-12-06. Review status: criteria provided, single submitter. Criteria: Invitae Variant Classification Sherloc (09022015). Collection method: clinical testing. Allele origin: germline.
Comment: This variant has not been reported in the literature in individuals with AKT1-related conditions. This variant is not present in population databases (ExAC no frequency). Algorithms developed to predict the effect of missense changes on protein structure and function are either unavailable or do not agree on the potential impact of this missense change (SIFT: "Tolerated"; PolyPhen-2: "Probably Damaging"; Align-GVGD: "Class C0"). This sequence change replaces alanine with threonine at codon 329 of the AKT1 protein (p.Ala329Thr). The alanine residue is moderately conserved and there is a small physicochemical difference between alanine and threonine. In summary, the available evidence is currently insufficient to determine the role of this variant in disease. Therefore, it has been classified as a Variant of Uncertain Significance.

NM_001382430.1(AKT1):c.985G>A (p.Ala329Thr)

Gene: AKT1 (AKT serine/threonine kinase 1; minus strand). Cytogenetic location: 14q32.33.
Variant type: single nucleotide variant.
Coding change: c.985G>A on transcript NM_001382430.1 (MANE Select); coding-DNA position 985, G replaced by A.
Protein change: p.Ala329Thr; replaces alanine 329 with threonine.
Molecular consequence: missense variant.
Genome position (GRCh38, 1-based): chr14:104,773,065, C>T on the plus strand (G>A on the coding strand, the complement: AKT1 is on the minus strand). VCF-style: chr14-104773065-C-T. GRCh37 (hg19) VCF-style: chr14-105239402-C-T.
Other names: c.985G>A, p.Ala329Thr (NM_001014431.2, NM_001014432.2, NM_001382431.1 and 3 more transcripts); short protein forms A329T.
Identifiers: ClinVar variation 1372960 (VCV001372960.8), dbSNP rs2140902698, ClinGen allele CA391217330.